The following is an entry in ClinVar:

ClinVar aggregate classification (germline): Pathogenic. Review status: criteria provided, multiple submitters, no conflicts (2 of 4 stars). 2 submissions from 2 submitters: Pathogenic (2). Last evaluated 2024-12-02.

Conditions:
Cardiomyopathy (CMYO). Also called: Cardiomyopathies. Identifiers: Orphanet 167848, MedGen C0878544, MONDO:0004994, HP:0001638. Inheritance: Various modes of inheritance.
Hypertrophic cardiomyopathy. Also called: HYPERTROPHIC MYOCARDIOPATHY. Identifiers: Orphanet 217569, MedGen C0007194, MeSH D002312, MONDO:0005045, HP:0001639.

Submissions (2):

Labcorp Genetics (formerly Invitae), Labcorp
Classification: Pathogenic for Hypertrophic cardiomyopathy. Last evaluated: 2024-12-02. Review status: criteria provided, single submitter. Criteria: Invitae Variant Classification Sherloc (09022015). Collection method: clinical testing. Allele origin: germline.
Comment: This sequence change creates a premature translational stop signal (p.Val1158Profs*28) in the MYBPC3 gene. It is expected to result in an absent or disrupted protein product. Loss-of-function variants in MYBPC3 are known to be pathogenic (PMID: 19574547). This variant is not present in population databases (gnomAD no frequency). This variant has not been reported in the literature in individuals affected with MYBPC3-related conditions. ClinVar contains an entry for this variant (Variation ID: 181103). For these reasons, this variant has been classified as Pathogenic.

GeneDx
Classification: Pathogenic for Cardiomyopathy. Last evaluated: 2013-08-15. Review status: criteria provided, single submitter. Criteria: GeneDx Variant Classification (06012015). Collection method: clinical testing. Allele origin: germline. Affected: yes.
Comment: c.3472_c.3481del: p.Val1158ProfsX28 (V1158PfsX28) in exon 31 of the MYBPC3 gene (NM_000256.3). The normal sequence with the bases that are deleted in braces is: GCCC{GTCTTTATCC}CCAG. Although the c.3472_3481del mutation in the MYBPC3 gene has not been reported to our knowledge, this mutation causes a shift in reading frame starting at codon Valine 1158, changing it to a Proline, and creating a premature stop codon at position 28 of the new reading frame, denoted p.Val1158ProfsX28. This mutation is expected to result in either an abnormal, truncated protein product or loss of protein from this allele through nonsense-mediated mRNA decay. Other frameshift mutations in the MYBPC3 gene have been reported in association with HCM. In summary, c.3472_3481del in the MYBPC3 gene is interpreted as a disease-causing mutation. The variant is found in HCM panel(s).

Literature cited by the submitters: PubMed 19574547 (cited by Labcorp Genetics (formerly Invitae), Labcorp).

NM_000256.3(MYBPC3):c.3472_3481del (p.Val1158fs)

Gene: MYBPC3 (myosin binding protein C3; minus strand). Cytogenetic location: 11p11.2.
Variant type: Deletion.
Coding change: c.3472_3481del on transcript NM_000256.3 (MANE Select); coding-DNA positions 3472 to 3481, 10 bases deleted (GTCTTTATCC; older notation c.3472_3481delGTCTTTATCC).
Protein change: p.Val1158fs; shifts the reading frame from valine 1158.
Molecular consequence: frameshift variant.
Genome position (GRCh38, 1-based): chr11:47,332,823-47,332,832, GGATAAAGAC deleted on the plus strand (GTCTTTATCC on the coding strand, the reverse complement: MYBPC3 is on the minus strand); deleting any 10 consecutive bases within chr11:47,332,823-47,332,834 gives the same sequence; the c. name uses the placement nearest the transcript's 3' end. VCF-style (leftmost placement, unchanged base first): chr11-47332822-GGGATAAAGAC-G. GRCh37 (hg19) VCF-style: chr11-47354373-GGGATAAAGAC-G.
Other names: c.3472_3481del, p.Val1158fs (LRG_386t1); short protein forms V1158fs.
Identifiers: ClinVar variation 181103 (VCV000181103.4), dbSNP rs730880675, ClinGen allele CA014187.
Genomic context (GRCh38, chr11:47,332,822, plus strand): 5'-TCCCACAGCCTCCCTGCCCCAGCCCCTGGTTGGAAGAATGAGGGTACAGCACCTGGTCTG[GGGATAAAGAC>G]GGGCTCCTTGGTGGTGGCCGCTCTGTCACTAAAGCCAACCATATTCTGGCTGAAGACGCG-3'